The following is an entry in ClinVar:

ClinVar aggregate classification (germline): Likely pathogenic (1 of 4 stars; one submission).

Conditions:
Autosomal recessive polycystic kidney disease (ARPKD). Also called: AR polycystic kidney disease. Identifiers: Orphanet 731, Orphanet 8378, MedGen C0085548, MeSH D017044, MONDO:0009889.

Submission:

Natera, Inc.
Classification: Likely pathogenic for Autosomal recessive polycystic kidney disease. Last evaluated: 2025-03-29. Review status: criteria provided, single submitter. Criteria: Natera Variant Classification Schema (03/2026). Collection method: clinical testing. Allele origin: germline.
Comment: The c.2716-1G>T variant in PKHD1 is a canonical splice acceptor site variant predicted to affect pre-mRNA splicing, which may result in an abnormal transcript and altered protein product. This variant is expected to result in nonsense mediated decay, truncation, or a dysfunctional protein product. This variant is rare in the general population with a frequency below the threshold expected for the associated phenotype(s). Given the available evidence, this variant is classified as Likely Pathogenic.

NM_138694.4(PKHD1):c.2716-1G>T

Gene: PKHD1 (PKHD1 ciliary IPT domain containing fibrocystin/polyductin; minus strand). Cytogenetic location: 6p12.2.
Variant type: single nucleotide variant.
Coding change: c.2716-1G>T on transcript NM_138694.4 (MANE Select); the canonical splice acceptor site of the intron before coding-DNA position 2716, G replaced by T.
Molecular consequence: splice acceptor variant.
Genome position (GRCh38, 1-based): chr6:52,043,731, C>A on the plus strand (G>T on the coding strand, the complement: PKHD1 is on the minus strand). VCF-style: chr6-52043731-C-A. GRCh37 (hg19) VCF-style: chr6-51908529-C-A.
Other names: c.2716-1G>T (NM_170724.3).
Identifiers: ClinVar variation 4816618 (VCV004816618.1).